The following is an entry in ClinVar:

NM_030962.4(SBF2):c.3456-145T>C

Gene: SBF2 (SET binding factor 2; minus strand). Cytogenetic location: 11p15.4.
Variant type: single nucleotide variant.
Coding change: c.3456-145T>C on transcript NM_030962.4 (MANE Select); 145 bases into the intron before coding-DNA position 3456, T replaced by C.
Molecular consequence: intron variant.
Genome position (GRCh38, 1-based): chr11:9,832,565, A>G on the plus strand (T>C on the coding strand, the complement: SBF2 is on the minus strand). VCF-style: chr11-9832565-A-G. GRCh37 (hg19) VCF-style: chr11-9854112-A-G.
Other names: c.3327-145T>C (NM_001386342.1); c.3456-145T>C (NM_001386339.1).
Identifiers: ClinVar variation 669260 (VCV000669260.1), dbSNP rs12578023, ClinGen allele CA217634547.

ClinVar aggregate classification (germline): Benign (1 of 4 stars; one submission).

Allele frequency attached by ClinVar (database versions not stated): TOPMed 0.07831; gnomAD 0.08023 and 0.08202; 1000 Genomes Project 0.08247; 1000 Genomes Project 30x 0.08307; gnomAD exomes 0.10255.
gnomAD v4.1: 65,691 of 672,206 alleles (9.8%); highest among the groups gnomAD compares: East Asian, 16%; 3,530 homozygotes.

Submission:

GeneDx
Classification: Benign. Last evaluated: 2018-06-19. Review status: criteria provided, single submitter. Criteria: GeneDx Variant Classification (06012015). Collection method: clinical testing. Allele origin: germline. Affected: yes.
Comment: This variant is considered likely benign or benign based on one or more of the following criteria: it is a conservative change, it occurs at a poorly conserved position in the protein, it is predicted to be benign by multiple in silico algorithms, and/or has population frequency not consistent with disease.